The following is an entry in ClinVar:

ClinVar aggregate classification (germline): Likely benign. Review status: criteria provided, multiple submitters, no conflicts (2 of 4 stars). 4 submissions from 4 submitters: Likely benign (4). Last evaluated 2025-08-31.

Conditions:
Cardiovascular phenotype. Identifiers: MedGen CN230736.
Cardiomyopathy (CMYO). Also called: Cardiomyopathies. Identifiers: Orphanet 167848, MedGen C0878544, MONDO:0004994, HP:0001638. Inheritance: Various modes of inheritance.
Arrhythmogenic right ventricular cardiomyopathy (ARVD). Also called: Arrhythmogenic cardiomyopathy; Cardiomyopathy, ARVC; Arrhythmogenic right ventricular dysplasia; Arrhythmogenic Right Ventricular Cardiomyopathy (ARVC). Identifiers: Orphanet 247, MedGen C0349788, MeSH D019571, MONDO:0016587. Disease mechanism: loss of function. Inheritance: Various modes of inheritance.

Allele frequency attached by ClinVar (database versions not stated): gnomAD exomes below 0.00001.
gnomAD v4.1: 1 of 1,613,540 alleles (0.000062%); highest among the groups gnomAD compares: Admixed American, 0.0017%; no homozygotes.

Submissions (4):

Ambry Genetics
Classification: Likely benign for Cardiovascular phenotype. Last evaluated: 2025-08-31. Review status: criteria provided, single submitter. Criteria: Ambry Variant Classification Scheme 2023. Collection method: clinical testing. Allele origin: germline.

All of Us Research Program, National Institutes of Health
Classification: Likely benign for Arrhythmogenic right ventricular cardiomyopathy. Last evaluated: 2023-10-27. Review status: criteria provided, single submitter. Criteria: ACMG Guidelines, 2015. Collection method: clinical testing. Allele origin: germline. Inheritance: Autosomal dominant inheritance. Observed: 1 variant allele, 1 heterozygote.
Comment: This study involves interpretation of variants in research participants for the purpose of population health screening. Participant phenotype was not available at the time of variant classification. Additional details can be found in publication PMID: 35346344, PMCID: PMC8962531

Color Diagnostics, LLC DBA Color Health
Classification: Likely benign for Cardiomyopathy. Last evaluated: 2023-10-18. Review status: criteria provided, single submitter. Criteria: ACMG Guidelines, 2015. Collection method: clinical testing. Allele origin: germline.

CHEO Genetics Diagnostic Laboratory, Children's Hospital of Eastern Ontario
Classification: Likely benign for Cardiomyopathy. Last evaluated: 2016-11-23. Review status: criteria provided, single submitter. Criteria: ACMG Guidelines, 2015. Collection method: clinical testing. Allele origin: germline. Study: Canadian Open Genetics Repository.

NM_001943.5(DSG2):c.1867C>T (p.Leu623=)

Gene: DSG2 (desmoglein 2; plus strand). Cytogenetic location: 18q12.1.
Variant type: single nucleotide variant.
Coding change: c.1867C>T on transcript NM_001943.5 (MANE Select); coding-DNA position 1867, C replaced by T.
Protein change: p.Leu623=; no amino-acid change (leucine 623 retained).
Molecular consequence: synonymous variant.
Genome position (GRCh38, 1-based): chr18:31,538,966, C>T. VCF-style: chr18-31538966-C-T. GRCh37 (hg19) VCF-style: chr18-29118929-C-T.
Other names: c.1867C>T (NM_001943.3).
Identifiers: ClinVar variation 626840 (VCV000626840.5), dbSNP rs1456806722, ClinGen allele CA503596872.